The following is an entry in ClinVar:

ClinVar aggregate classification (germline): Uncertain significance (1 of 4 stars; one submission).

Conditions:
Renal cell carcinoma. Identifiers: Orphanet 217071, MedGen C0007134, MeSH D002292, MONDO:0005086, HP:0005584.

gnomAD v4.1: 1 of 1,596,672 alleles (0.000063%); highest among the groups gnomAD compares: Non-Finnish European, 0.000085%; no homozygotes.

Submission:

Labcorp Genetics (formerly Invitae), Labcorp
Classification: Uncertain significance for Renal cell carcinoma. Last evaluated: 2021-07-13. Review status: criteria provided, single submitter. Criteria: Invitae Variant Classification Sherloc (09022015). Collection method: clinical testing. Allele origin: germline.
Comment: This sequence change creates a premature translational stop signal (p.Glu355*) in the MET gene. It is expected to result in an absent or disrupted protein product. However, the current clinical and genetic evidence is not sufficient to establish whether loss-of-function variants in MET cause disease. This variant is not present in population databases (ExAC no frequency). This variant has not been reported in the literature in individuals affected with MET-related conditions. In summary, the available evidence is currently insufficient to determine the role of this variant in disease. Therefore, it has been classified as a Variant of Uncertain Significance.

NM_000245.4(MET):c.1063G>T (p.Glu355Ter)

Gene: MET (MET proto-oncogene, receptor tyrosine kinase; plus strand). Cytogenetic location: 7q31.2.
Variant type: single nucleotide variant.
Coding change: c.1063G>T on transcript NM_000245.4 (MANE Select); coding-DNA position 1063, G replaced by T.
Protein change: p.Glu355Ter; replaces glutamic acid 355 with a stop codon.
Molecular consequence: nonsense. On other transcripts: intron variant (1).
Genome position (GRCh38, 1-based): chr7:116,700,147, G>T. VCF-style: chr7-116700147-G-T. GRCh37 (hg19) VCF-style: chr7-116340201-G-T.
Other names: c.1063G>T, p.Glu355Ter (NM_001127500.3, NM_001324401.3); c.-91+27570G>T (NM_001324402.2); short protein forms E355*.
Identifiers: ClinVar variation 1447207 (VCV001447207.6), dbSNP rs561295443, ClinGen allele CA368970458.